The following is an entry in ClinVar:

NM_032776.3(JMJD1C):c.1438C>A (p.Pro480Thr)

Gene: JMJD1C (jumonji domain containing 1C; minus strand). Cytogenetic location: 10q21.3.
Variant type: single nucleotide variant.
Coding change: c.1438C>A on transcript NM_032776.3 (MANE Select); coding-DNA position 1438, C replaced by A.
Protein change: p.Pro480Thr; replaces proline 480 with threonine.
Molecular consequence: missense variant. On other transcripts: non-coding transcript variant (1).
Genome position (GRCh38, 1-based): chr10:63,214,729, G>T on the plus strand (C>A on the coding strand, the complement: JMJD1C is on the minus strand). VCF-style: chr10-63214729-G-T. GRCh37 (hg19) VCF-style: chr10-64974489-G-T.
Other names: c.892C>A, p.Pro298Thr (NM_001282948.2, NM_001318154.2); c.574C>A, p.Pro192Thr (NM_001318153.2); c.1324C>A, p.Pro442Thr (NM_001322252.2); c.781C>A, p.Pro261Thr (NM_001322254.2, NM_001322258.2); c.1438C>A (NM_032776.1); short protein forms P192T, P261T, P298T, P442T, P480T.
Identifiers: ClinVar variation 864557 (VCV000864557.11), dbSNP rs200836663, ClinGen allele CA5518804.

ClinVar aggregate classification (germline): Uncertain significance. Review status: criteria provided, multiple submitters, no conflicts (2 of 4 stars). 2 submissions from 2 submitters: Uncertain significance (2). Last evaluated 2025-10-21.

Conditions:
Early Myoclonic Encephalopathy. Identifiers: MedGen C0270855.

Allele frequency attached by ClinVar (database versions not stated): 1000 Genomes Project 30x 0.00016; gnomAD exomes 0.00002; gnomAD 0.00004; 1000 Genomes Project 0.00020; ExAC 0.00002; TOPMed 0.00002.
gnomAD v4.1: 41 of 1,613,942 alleles (0.0025%); highest among the groups gnomAD compares: African/African-American, 0.004%; no homozygotes.

Submissions (2):

Labcorp Genetics (formerly Invitae), Labcorp
Classification: Uncertain significance for Early Myoclonic Encephalopathy. Last evaluated: 2025-10-21. Review status: criteria provided, single submitter. Criteria: Invitae Variant Classification Sherloc (09022015). Collection method: clinical testing. Allele origin: germline.
Comment: This sequence change replaces proline, which is neutral and non-polar, with threonine, which is neutral and polar, at codon 480 of the JMJD1C protein (p.Pro480Thr). This variant is present in population databases (rs200836663, gnomAD 0.004%). This variant has not been reported in the literature in individuals affected with JMJD1C-related conditions. ClinVar contains an entry for this variant (Variation ID: 864557). Invitae Evidence Modeling of protein sequence and biophysical properties (such as structural, functional, and spatial information, amino acid conservation, physicochemical variation, residue mobility, and thermodynamic stability) indicates that this missense variant is not expected to disrupt JMJD1C protein function with a negative predictive value of 80%. In summary, the available evidence is currently insufficient to determine the role of this variant in disease. Therefore, it has been classified as a Variant of Uncertain Significance.

Ambry Genetics
Classification: Uncertain significance. Last evaluated: 2024-02-26. Review status: criteria provided, single submitter. Criteria: Ambry Variant Classification Scheme 2023. Collection method: clinical testing. Allele origin: germline.